The following is an entry in ClinVar:

ClinVar aggregate classification (germline): Uncertain significance (1 of 4 stars; one submission).

Conditions:
Nuclear pulverulent cataract (CTRCT2). Identifiers: MedGen C1852438, HP:0010698.

Submission:

Labcorp Genetics (formerly Invitae), Labcorp
Classification: Uncertain significance for Nuclear pulverulent cataract. Last evaluated: 2017-06-16. Review status: criteria provided, single submitter. Criteria: Invitae Variant Classification Sherloc (09022015). Collection method: clinical testing. Allele origin: germline.
Comment: In summary, this variant is a novel missense change with uncertain impact on protein function. It has been classified as a Variant of Uncertain Significance. Algorithms developed to predict the effect of sequence changes on RNA splicing suggest that this variant may alter RNA splicing, but this prediction has not been confirmed by published transcriptional studies. Algorithms developed to predict the effect of missense changes on protein structure and function (SIFT, PolyPhen-2, Align-GVGD) all suggest that this variant is likely to be tolerated, but these predictions have not been confirmed by published functional studies. This variant is not present in population databases (ExAC no frequency) and has not been reported in the literature in individuals with a CRYGC-related disease. This sequence change replaces glutamine with proline at codon 52 of the CRYGC protein (p.Gln52Pro). The glutamine residue is moderately conserved and there is a moderate physicochemical difference between glutamine and proline.

NM_020989.4(CRYGC):c.155A>C (p.Gln52Pro)

Genes: CRYGC (crystallin gamma C; minus strand), LOC100507443 (uncharacterized LOC100507443; plus strand). Cytogenetic location: 2q33.3.
Variant type: single nucleotide variant.
Coding change: c.155A>C on transcript NM_020989.4 (MANE Select); coding-DNA position 155, A replaced by C.
Protein change: p.Gln52Pro; replaces glutamine 52 with proline.
Molecular consequence: missense variant.
Genome position (GRCh38, 1-based): chr2:208,129,538, T>G on the plus strand (A>C on the coding strand, the complement: CRYGC is on the minus strand). VCF-style: chr2-208129538-T-G. GRCh37 (hg19) VCF-style: chr2-208994262-T-G.
Other names: short protein forms Q52P.
Identifiers: ClinVar variation 465772 (VCV000465772.10), dbSNP rs1553585708, ClinGen allele CA350097010.